The following is an entry in ClinVar:

ClinVar aggregate classification (germline): Pathogenic. Review status: criteria provided, multiple submitters, no conflicts (2 of 4 stars). 2 submissions from 2 submitters: Pathogenic (2). Last evaluated 2023-02-28.

Conditions:
Intellectual developmental disorder 62. Also called: MENTAL RETARDATION, AUTOSOMAL DOMINANT 62; INTELLECTUAL DEVELOPMENTAL DISORDER, AUTOSOMAL DOMINANT 62. Identifiers: MedGen C5394083, MONDO:0032919, OMIM 618793.

Submissions (2):

Tumer Group, Copenhagen University Hospital, Rigshospitalet
Classification: Pathogenic for Intellectual developmental disorder 62. Last evaluated: 2023-02-28. Review status: criteria provided, single submitter. Criteria: ACMG Guidelines, 2015. Collection method: research. Allele origin: de novo. Affected: yes.

GeneDx
Classification: Pathogenic. Last evaluated: 2021-09-16. Review status: criteria provided, single submitter. Criteria: GeneDx Variant Classification Process June 2021. Collection method: clinical testing. Allele origin: germline. Affected: yes.
Comment: Not observed in large population cohorts (Lek et al., 2016); Nonsense variant predicted to result in protein truncation or nonsense mediated decay in a gene for which loss-of-function is a known mechanism of disease; Has not been previously published as pathogenic or benign to our knowledge

NM_001321075.3(DLG4):c.1072C>T (p.Gln358Ter)

Genes: DLG4 (discs large MAGUK scaffold protein 4; minus strand), LOC126862479 (MED14-independent group 3 enhancer GRCh37_chr17:7099412-7100611; plus strand). Cytogenetic location: 17p13.1.
Variant type: single nucleotide variant.
Coding change: c.1072C>T on transcript NM_001321075.3 (MANE Select); coding-DNA position 1072, C replaced by T.
Protein change: p.Gln358Ter; replaces glutamine 358 with a stop codon.
Molecular consequence: nonsense. On other transcripts: non-coding transcript variant (1).
Genome position (GRCh38, 1-based): chr17:7,196,768, G>A on the plus strand (C>T on the coding strand, the complement: DLG4 is on the minus strand). VCF-style: chr17-7196768-G-A. GRCh37 (hg19) VCF-style: chr17-7100087-G-A.
Other names: c.1063C>T, p.Gln355Ter (NM_001128827.4); c.1192C>T, p.Gln398Ter (NM_001321074.1); c.892C>T, p.Gln298Ter (NM_001321076.3, NM_001321077.3); c.1201C>T, p.Gln401Ter (NM_001365.5); c.991C>T, p.Gln331Ter (NM_001369566.3); short protein forms Q298*, Q331*, Q355*, Q358*, Q398*, Q401*.
Identifiers: ClinVar variation 1300623 (VCV001300623.3), dbSNP rs2142845390, ClinGen allele CA397716469.